The following is an entry in ClinVar:

ClinVar aggregate classification (germline): Pathogenic (1 of 4 stars; one submission).

Conditions:
Breast-ovarian cancer, familial, susceptibility to, 4. Identifiers: Orphanet 145, MedGen C3280345, MONDO:0013669, OMIM 614291.

Submission:

Labcorp Genetics (formerly Invitae), Labcorp
Classification: Pathogenic for Breast-ovarian cancer, familial, susceptibility to, 4. Last evaluated: 2025-07-07. Review status: criteria provided, single submitter. Criteria: Invitae Variant Classification Sherloc (09022015). Collection method: clinical testing. Allele origin: germline.
Comment: This sequence change creates a premature translational stop signal (p.Tyr72Hisfs*12) in the RAD51D gene. It is expected to result in an absent or disrupted protein product. Loss-of-function variants in RAD51D are known to be pathogenic (PMID: 21822267). This variant is not present in population databases (gnomAD no frequency). This variant has not been reported in the literature in individuals affected with RAD51D-related conditions. ClinVar contains an entry for this variant (Variation ID: 539848). For these reasons, this variant has been classified as Pathogenic.

Literature cited by the submitters: PubMed 21822267.

NM_002878.4(RAD51D):c.210_229del (p.Tyr72fs)

Genes: RAD51D (RAD51 paralog D; minus strand), RAD51L3-RFFL (RAD51L3-RFFL readthrough; minus strand). Cytogenetic location: 17q12.
Variant type: Deletion.
Coding change: c.210_229del on transcript NM_002878.4 (MANE Select); coding-DNA positions 210 to 229, 20 bases deleted (TCTCTACGAGGAACTGAAGA).
Protein change: p.Tyr72fs; shifts the reading frame from tyrosine 72.
Molecular consequence: frameshift variant. On other transcripts: intron variant (2).
Genome position (GRCh38, 1-based): chr17:35,118,535-35,118,554, TCTTCAGTTCCTCGTAGAGA deleted on the plus strand (TCTCTACGAGGAACTGAAGA on the coding strand, the reverse complement: RAD51D is on the minus strand); deleting any 20 consecutive bases within chr17:35,118,535-35,118,556 gives the same sequence; the c. name uses the placement nearest the transcript's 3' end. VCF-style (leftmost placement, unchanged base first): chr17-35118534-GTCTTCAGTTCCTCGTAGAGA-G. GRCh37 (hg19) VCF-style: chr17-33445553-GTCTTCAGTTCCTCGTAGAGA-G.
Other names: c.144+557_144+576del (NM_133629.3, NM_001142571.2); c.210_229delTCTCTACGAGGAACTGAAGA (NM_002878.3); short protein forms Y72fs.
Identifiers: ClinVar variation 539848 (VCV000539848.6), dbSNP rs1555570266, ClinGen allele CA658798816.